The following is an entry in ClinVar:

NM_000059.4(BRCA2):c.7684T>C (p.Phe2562Leu)

Gene: BRCA2 (BRCA2 DNA repair associated; plus strand). Cytogenetic location: 13q13.1.
Variant type: single nucleotide variant.
Coding change: c.7684T>C on transcript NM_000059.4 (MANE Select); coding-DNA position 7684, T replaced by C.
Protein change: p.Phe2562Leu; replaces phenylalanine 2562 with leucine.
Molecular consequence: missense variant.
Genome position (GRCh38, 1-based): chr13:32,357,808, T>C. VCF-style: chr13-32357808-T-C. GRCh37 (hg19) VCF-style: chr13-32931945-T-C.
Other names: NM_000059.4(BRCA2):c.7684T>C; p.Phe2562Leu; 7912T>C; short protein forms F2562L.
Identifiers: ClinVar variation 38114 (VCV000038114.41), dbSNP rs80358995, ClinGen allele CA025230.

ClinVar aggregate classification (germline): Uncertain significance. Review status: reviewed by expert panel (3 of 4 stars). 17 submissions from 17 submitters: Uncertain significance (1). 16 of the submissions do not count toward it. Last evaluated 2026-01-04.

Conditions:
BRCA2-related disorder. Also called: BRCA2-related condition; BRCA2-related disorders. Identifiers: MedGen CN239275.
BRCA2-related cancer predisposition. Identifiers: MedGen CN377758, MONDO:0700269.
Hereditary cancer-predisposing syndrome. Also called: Tumor predisposition; Neoplastic Syndromes, Hereditary; Hereditary neoplastic syndrome; Hereditary Cancer Syndrome. Identifiers: Orphanet 140162, MedGen C0027672, MeSH D009386, MONDO:0015356.
Hereditary breast ovarian cancer syndrome. Also called: Hereditary breast and ovarian cancer; Hereditary breast and ovarian cancer syndrome (HBOC); Hereditary breast and/or ovarian cancer syndrome; Breast and ovarian cancer; Hereditary breast and ovarian cancer syndrome; BRCA1- and BRCA2-Associated Hereditary Breast and Ovarian Cancer. Identifiers: Orphanet 145, MedGen C0677776, MeSH D061325, MONDO:0003582. Disease mechanism: loss of function.
Breast-ovarian cancer, familial, susceptibility to, 2 (BROVCA2). Also called: BRCA2 Hereditary Breast and Ovarian Cancer. Identifiers: Orphanet 145, MedGen C2675520, MONDO:0012933, OMIM 612555. Disease mechanism: loss of function.

Allele frequency attached by ClinVar (database versions not stated): gnomAD exomes below 0.00001; gnomAD 0.00002; TOPMed 0.00002.
gnomAD v4.1: 5 of 1,613,828 alleles (0.00031%); highest among the groups gnomAD compares: Non-Finnish European, 0.00042%; no homozygotes.

Submissions 1 to 5 of 17:

ClinGen ENIGMA BRCA1 and BRCA2 Variant Curation Expert Panel, ClinGen
Classification: Uncertain significance for BRCA2-related cancer predisposition. Last evaluated: 2026-01-04. Review status: reviewed by expert panel. Criteria: CSpec BRCA12ACMG Rules Specifications V1.1. Collection method: curation. Allele origin: germline. Inheritance: Autosomal dominant inheritance.
Comment: The c.7684T>C variant in BRCA2 is a missense variant predicted to cause substitution of Phenylalanine by Leucine at amino acid 2562 (p.(Phe2562Leu)). This variant is present in gnomAD v2.1 (exomes only, non-cancer subset) or gnomAD v3.1 (non-cancer subset) but is below the ENIGMA BRCA1/2 VCEP threshold >0.00002 for BS1_Supporting (PM2_Supporting, BS1, and BA1 are not met). Reported by two or more calibrated studies with discordant results. Functional effect similar to pathogenic control variants (PMIDs:33293522, 39779857, 39779848) and between what was observed for benign and pathogenic control variants (PMID:29884841) (PS3 and BS3 not met). This BRCA2 missense variant is within a key functional domain and the computational predictor BayesDel (noAF) gives a score of 0.29, indicating impact on BRCA2 function via protein change is unclear (score range 0.18-0.30). A SpliceAI score of 0.1 predicts no impact on splicing (score threshold ≤0.1) (no bioinformatic code is applied). Multifactorial likelihood ratio analysis using clinically calibrated data produced a combined LR for this variant of 0.92 (based on Co-occurrence LR=1.19; Family History LR=0.78), which is above the ENIGMA BRCA1/2 VCEP threshold for BP5 (>0.48) and below PP4 (<2.08) (BP5 and PP4 not met; PMID: 31853058, Internal lab contributor). The phenotype information provided did not meet our guidelines for PM3 to be applied. Total points equated to 0 (PM3 not met; PMID: 25583207). In summary, this variant did not meet any criteria and is classified as a Variant of uncertain significance for BRCA2-related cancer predisposition based on the ACMG/AMP criteria applied as specified by the ENIGMA BRCA1/2 VCEP (v1.2).

Women's Health and Genetics/Laboratory Corporation of America, LabCorp
Classification: Uncertain significance. Last evaluated: 2025-09-22. Review status: criteria provided, single submitter. Criteria: LabCorp Variant Classification Summary - May 2015. Collection method: clinical testing. Allele origin: germline. Not counted in ClinVar's aggregate classification.
Comment: Variant summary: BRCA2 c.7684T>C (p.Phe2562Leu) results in a non-conservative amino acid change located in the Breast cancer type 2 susceptibility protein, helical domain of the encoded protein sequence. Algorithms developed to predict the effect of missense changes on protein structure and function all suggest that this variant is likely to be disruptive. The variant was absent in 251286 control chromosomes. c.7684T>C has been reported in the literature in individuals affected with Hereditary Breast And Ovarian Cancer Syndrome or Fanconi Anemia (Stoepker_2015, Azzollini_2016). These reports do not provide unequivocal conclusions about association of the variant with Hereditary Breast And Ovarian Cancer Syndrome. At least one publication reports experimental evidence evaluating an impact on protein function and showed that this variant decreased the BRCA2 function (Guidugli_2018, Hart_2019, Caleca_2019, Biswas_2020). The following publications have been ascertained in the context of this evaluation (PMID: 27062684, 33293522, 30696104, 29394989, 29884841, 25583207). ClinVar contains an entry for this variant (Variation ID: 38114). Based on the evidence outlined above, the variant was classified as VUS-possibly pathogenic.

Color Diagnostics, LLC DBA Color Health
Classification: Uncertain significance for Hereditary cancer-predisposing syndrome. Last evaluated: 2025-08-21. Review status: criteria provided, single submitter. Criteria: ACMG Guidelines, 2015. Collection method: clinical testing. Allele origin: germline. Not counted in ClinVar's aggregate classification.
Comment: This missense variant replaces phenylalanine with leucine at codon 2562 of the BRCA2 protein. Computational prediction suggests that this variant may have deleterious impact on protein structure and function. Functional studies have reported that this variant causes an intermediate impact in a homology-directed DNA repair assay and causes a full impact in a haploid cell proliferation assay, in the rescue of cell survival in Brac2-null cells and in sensitivity assays to cisplatin and PARP inhibitor (PMID: 29394989, 33293522, 39779848, 39779857). This variant has been reported in an individual at risk for hereditary breast and ovarian cancer (PMID: 27062684). This variant also has been reported with a pathogenic BRCA2 covariant in a cell line from an individual affected with Fanconi anemia, although the phasing of the two variants is unknown (PMID: 25583207). A multifactorial analysis has reached a combined likelihood ratio (LR) of 0.922 based on reported LR for co-occurrence with a pathogenic variant and personal and family history for 1 carrier (PMID: 31853058). This variant has been identified in 5/1613828 chromosomes in the general population by the Genome Aggregation Database (gnomAD v4.1.0). The available evidence is insufficient to determine the role of this variant in disease conclusively. Therefore, this variant is classified as a Variant of Uncertain Significance.

German Consortium for Hereditary Breast and Ovarian Cancer, University Hospital Cologne
Classification: Uncertain significance for Hereditary breast ovarian cancer syndrome. Last evaluated: 2025-07-08. Review status: criteria provided, single submitter. Criteria: ClinGen BRCA2 V1.1.0. Collection method: curation. Allele origin: germline. Not counted in ClinVar's aggregate classification.
Comment: This classification follows the ClinGen ENIGMA BRCA2 v1.1.0 classification scheme; We chose this criterion: PS3 (strong pathogenic): Two saturation genome editing-based studies, including a haploid cell survival assay and a humanized mouse embryonic stem cell line assay of drug response and survival, demonstrate that this nucleotide substitution may be non-functional (Huang H et al. Nature. 2025 Feb;638(8050):528-537; Sahu S et al. Nature. 2025 Feb;638(8050):538-545).

GeneDx
Classification: Likely pathogenic. Last evaluated: 2025-04-25. Review status: criteria provided, single submitter. Criteria: GeneDx Variant Classification Process June 2021. Collection method: clinical testing. Allele origin: germline. Affected: yes. Not counted in ClinVar's aggregate classification.
Comment: Identified in at least one family with breast and/or ovarian cancer (PMID: 27062684); Published functional studies demonstrate defective or intermediate impact on homology-directed repair (HDR) activity, inability to rescue cell lethality in a null cell line, and reduced binding to DSS1 (PMID: 29394989, 30696104, 29884841, 33293522, 35665744, 39779857, 39779848); In silico analysis indicates that this missense variant does not alter protein structure/function; Not observed at significant frequency in large population cohorts (gnomAD); Also known as 7912T>C; This variant is associated with the following publications: (PMID: 19043619, 17452773, 25348012, 30696104, 29884841, 35665744, 25583207, 29394989, 27062684, 12228710, 39779848, 39779857, 33293522)